The following is an entry in ClinVar:

NM_138713.4(NFAT5):c.2216T>G (p.Ile739Arg)

Gene: NFAT5 (nuclear factor of activated T cells 5; plus strand). Cytogenetic location: 16q22.1.
Variant type: single nucleotide variant.
Coding change: c.2216T>G on transcript NM_138713.4 (MANE Select); coding-DNA position 2216, T replaced by G.
Protein change: p.Ile739Arg; replaces isoleucine 739 with arginine.
Molecular consequence: missense variant.
Genome position (GRCh38, 1-based): chr16:69,692,041, T>G. VCF-style: chr16-69692041-T-G. GRCh37 (hg19) VCF-style: chr16-69725944-T-G.
Other names: c.2213T>G, p.Ile738Arg (NM_001113178.3); c.1541T>G, p.Ile514Arg (NM_001367709.1); c.2162T>G, p.Ile721Arg (NM_006599.4); c.1934T>G, p.Ile645Arg (NM_138714.4, NM_173214.3, NM_173215.3); short protein forms I721R, I514R, I645R, I738R, I739R.
Identifiers: ClinVar variation 2158852 (VCV002158852.4), dbSNP rs747056408, ClinGen allele CA8135736.

ClinVar aggregate classification (germline): Uncertain significance (1 of 4 stars; one submission).

Conditions:
Immunodeficiency. Identifiers: MedGen C0021051, MONDO:0021094, HP:0002721.

Allele frequency attached by ClinVar (database versions not stated): gnomAD exomes 0.00002; ExAC 0.00005.
gnomAD v4.1: 24 of 1,614,134 alleles (0.0015%); highest among the groups gnomAD compares: South Asian, 0.024%; no homozygotes.

Submission:

Labcorp Genetics (formerly Invitae), Labcorp
Classification: Uncertain significance for Immunodeficiency. Last evaluated: 2024-08-17. Review status: criteria provided, single submitter. Criteria: Invitae Variant Classification Sherloc (09022015). Collection method: clinical testing. Allele origin: germline.
Comment: This sequence change replaces isoleucine, which is neutral and non-polar, with arginine, which is basic and polar, at codon 645 of the NFAT5 protein (p.Ile645Arg). This variant is present in population databases (rs747056408, gnomAD 0.03%). This variant has not been reported in the literature in individuals affected with NFAT5-related conditions. ClinVar contains an entry for this variant (Variation ID: 2158852). An algorithm developed to predict the effect of missense changes on protein structure and function (PolyPhen-2) suggests that this variant is likely to be tolerated. In summary, the available evidence is currently insufficient to determine the role of this variant in disease. Therefore, it has been classified as a Variant of Uncertain Significance.